The following is an entry in ClinVar:

NM_001111067.4(ACVR1):c.893C>G (p.Thr298Ser)

Gene: ACVR1 (activin A receptor type 1; minus strand). Cytogenetic location: 2q24.1.
Variant type: single nucleotide variant.
Coding change: c.893C>G on transcript NM_001111067.4 (MANE Select); coding-DNA position 893, C replaced by G.
Protein change: p.Thr298Ser; replaces threonine 298 with serine.
Molecular consequence: missense variant.
Genome position (GRCh38, 1-based): chr2:157,766,094, G>C on the plus strand (C>G on the coding strand, the complement: ACVR1 is on the minus strand). VCF-style: chr2-157766094-G-C. GRCh37 (hg19) VCF-style: chr2-158622606-G-C.
Other names: c.893C>G, p.Thr298Ser (NM_001105.5, NM_001347663.1, NM_001347664.1 and 3 more transcripts); short protein forms T298S.
Identifiers: ClinVar variation 3623494 (VCV003623494.2).
Genomic context (GRCh38, chr2:157,766,094, plus strand): 5'-TGTGCAAGACCACTAGCTATGGACAGCACTATTCGAAGGCAGCTAACTGTATCCAGAGTA[G>C]TAAGCTGAAGATAGTCGTACAACGATCCCATTTCATGATAATGTGTAATTAACCACAGCT-3'
Protein context (NP_001104537.1, residues 288-308): MGSLYDYLQL[Thr298Ser]TLDTVSCLRI

ClinVar aggregate classification (germline): Uncertain significance (1 of 4 stars; one submission).

gnomAD v4.1: 3 of 1,614,144 alleles (0.00019%); highest among the groups gnomAD compares: Admixed American, 0.0033%; no homozygotes.

Submission:

Labcorp Genetics (formerly Invitae), Labcorp
Classification: Uncertain significance. Last evaluated: 2025-10-02. Review status: criteria provided, single submitter. Criteria: Invitae Variant Classification Sherloc (09022015). Collection method: clinical testing. Allele origin: germline.
Comment: This sequence change replaces threonine, which is neutral and polar, with serine, which is neutral and polar, at codon 298 of the ACVR1 protein (p.Thr298Ser). This variant is present in population databases (rs772263790, gnomAD 0.006%). This variant has not been reported in the literature in individuals affected with ACVR1-related conditions. This missense change has been observed in at least one individual who was not affected with ACVR1-related conditions (internal data). ClinVar contains an entry for this variant (Variation ID: 3623494). An algorithm developed to predict the effect of missense changes on protein structure and function (PolyPhen-2) suggests that this variant is likely to be tolerated. In summary, the available evidence is currently insufficient to determine the role of this variant in disease. Therefore, it has been classified as a Variant of Uncertain Significance.